The following is an entry in ClinVar:

ClinVar aggregate classification (germline): Uncertain significance (1 of 4 stars; one submission).

Submission:

Labcorp Genetics (formerly Invitae), Labcorp
Classification: Uncertain significance. Last evaluated: 2024-10-16. Review status: criteria provided, single submitter. Criteria: Invitae Variant Classification Sherloc (09022015). Collection method: clinical testing. Allele origin: germline.
Comment: This sequence change replaces alanine, which is neutral and non-polar, with glycine, which is neutral and non-polar, at codon 14 of the EDNRB protein (p.Ala14Gly). This variant is not present in population databases (gnomAD no frequency). This variant has not been reported in the literature in individuals affected with EDNRB-related conditions. An algorithm developed to predict the effect of missense changes on protein structure and function (PolyPhen-2) suggests that this variant is likely to be disruptive. In summary, the available evidence is currently insufficient to determine the role of this variant in disease. Therefore, it has been classified as a Variant of Uncertain Significance.

NM_001122659.3(EDNRB):c.41C>G (p.Ala14Gly)

Gene: EDNRB (endothelin receptor type B; minus strand). Cytogenetic location: 13q22.3.
Variant type: single nucleotide variant.
Coding change: c.41C>G on transcript NM_001122659.3 (MANE Select); coding-DNA position 41, C replaced by G.
Protein change: p.Ala14Gly; replaces alanine 14 with glycine.
Molecular consequence: missense variant.
Genome position (GRCh38, 1-based): chr13:77,918,533, G>C on the plus strand (C>G on the coding strand, the complement: EDNRB is on the minus strand). VCF-style: chr13-77918533-G-C. GRCh37 (hg19) VCF-style: chr13-78492668-G-C.
Other names: c.41C>G, p.Ala14Gly (NM_000115.5, NM_003991.4); c.311C>G, p.Ala104Gly (NM_001201397.2); short protein forms A14G, A104G.
Identifiers: ClinVar variation 3722988 (VCV003722988.2).
Genomic context (GRCh38, chr13:77,918,533, plus strand): 5'-TCAGGCGGGAAGCCTCTCTCCTCTCCCCAGATCCGCGACAGGCCGCAGGCAAGAACCAGC[G>C]CAACCAGGGCGCGTCCGCACAGACTTGGAGGCGGCTGCATGCTGCTACCTGCTCCAGAAG-3'
Protein context (NP_001116131.1, residues 4-24): PPSLCGRALV[Ala14Gly]LVLACGLSRI